The following is an entry in ClinVar:

ClinVar aggregate classification (germline): Uncertain significance (1 of 4 stars; one submission).

Submission:

Labcorp Genetics (formerly Invitae), Labcorp
Classification: Uncertain significance. Last evaluated: 2019-08-20. Review status: criteria provided, single submitter. Criteria: Invitae Variant Classification Sherloc (09022015). Collection method: clinical testing. Allele origin: germline.
Comment: This sequence change replaces leucine with glutamine at codon 255 of the HOXB13 protein (p.Leu255Gln). The leucine residue is highly conserved and there is a moderate physicochemical difference between leucine and glutamine. This variant is not present in population databases (ExAC no frequency). This variant has not been reported in the literature in individuals with HOXB13-related conditions. Algorithms developed to predict the effect of missense changes on protein structure and function (SIFT, PolyPhen-2, Align-GVGD) all suggest that this variant is likely to be disruptive, but these predictions have not been confirmed by published functional studies and their clinical significance is uncertain. In summary, the available evidence is currently insufficient to determine the role of this variant in disease. Therefore, it has been classified as a Variant of Uncertain Significance.

NM_006361.6(HOXB13):c.764_765delinsAA (p.Leu255Gln)

Gene: HOXB13 (homeobox B13; minus strand). Cytogenetic location: 17q21.32.
Variant type: Indel.
Coding change: c.764_765delinsAA on transcript NM_006361.6 (MANE Select); coding-DNA positions 764 to 765, TC replaced by AA.
Protein change: p.Leu255Gln; replaces leucine 255 with glutamine.
Molecular consequence: missense variant.
Genome position (GRCh38, 1-based): chr17:48,726,880-48,726,881, GA replaced by TT on the plus strand (TC replaced by AA on the coding strand, the reverse complement: HOXB13 is on the minus strand). VCF-style: chr17-48726880-GA-TT. GRCh37 (hg19) VCF-style: chr17-46804242-GA-TT.
Other names: short protein forms L255Q.
Identifiers: ClinVar variation 955099 (VCV000955099.8), dbSNP rs2038216342, ClinGen allele CA1139665678.
Genomic context (GRCh38, chr17:48,726,880, plus strand): 5'-GAGAACCTTCTTCTCTTTGACCCGGCGGTTCTGAAACCAGATGGTAATCTGGCGCTCCGA[GA>TT]GGCTGGTGGCTGCCGAGATCTTGCGCCTCTTGTCCTTGGTGATGAACTTGTTAGCCGCAT-3'
Protein context (NP_006352.2, residues 245-265): KRRKISAATS[Leu255Gln]SERQITIWFQ